The following is an entry in ClinVar:

NM_153240.5(NPHP3):c.2564A>G (p.Gln855Arg)

Genes: NPHP3 (nephrocystin 3; minus strand), NPHP3-ACAD11 (NPHP3-ACAD11 readthrough (NMD candidate); minus strand). Cytogenetic location: 3q22.1.
Variant type: single nucleotide variant.
Coding change: c.2564A>G on transcript NM_153240.5 (MANE Select); coding-DNA position 2564, A replaced by G.
Protein change: p.Gln855Arg; replaces glutamine 855 with arginine.
Molecular consequence: missense variant. On other transcripts: non-coding transcript variant (1).
Genome position (GRCh38, 1-based): chr3:132,691,198, T>C on the plus strand (A>G on the coding strand, the complement: NPHP3 is on the minus strand). VCF-style: chr3-132691198-T-C. GRCh37 (hg19) VCF-style: chr3-132410042-T-C.
Other names: short protein forms Q855R.
Identifiers: ClinVar variation 2093384 (VCV002093384.4), dbSNP rs2530403446, ClinGen allele CA354581017.

ClinVar aggregate classification (germline): Uncertain significance (1 of 4 stars; one submission).

Conditions:
Nephronophthisis. Also called: Juvenile Nephronophthisis. Identifiers: Orphanet 655, MedGen C0687120, MONDO:0019005, HP:0000090.

Allele frequency attached by ClinVar (database versions not stated): gnomAD exomes below 0.00001.
gnomAD v4.1: 2 of 1,610,262 alleles (0.00012%); highest among the groups gnomAD compares: Non-Finnish European, 0.00017%; no homozygotes.

Submission:

Labcorp Genetics (formerly Invitae), Labcorp
Classification: Uncertain significance for Nephronophthisis. Last evaluated: 2022-11-29. Review status: criteria provided, single submitter. Criteria: Invitae Variant Classification Sherloc (09022015). Collection method: clinical testing. Allele origin: germline.
Comment: This sequence change replaces glutamine, which is neutral and polar, with arginine, which is basic and polar, at codon 855 of the NPHP3 protein (p.Gln855Arg). This variant is not present in population databases (gnomAD no frequency). Advanced modeling of protein sequence and biophysical properties (such as structural, functional, and spatial information, amino acid conservation, physicochemical variation, residue mobility, and thermodynamic stability) has been performed at Invitae for this missense variant, however the output from this modeling did not meet the statistical confidence thresholds required to predict the impact of this variant on NPHP3 protein function. This variant has not been reported in the literature in individuals affected with NPHP3-related conditions. In summary, the available evidence is currently insufficient to determine the role of this variant in disease. Therefore, it has been classified as a Variant of Uncertain Significance.